The following is an entry in ClinVar:

NM_000156.6(GAMT):c.11C>G (p.Pro4Arg)

Genes: GAMT (guanidinoacetate N-methyltransferase; minus strand), LOC130062945 (ATAC-STARR-seq lymphoblastoid silent region 9707; plus strand). Cytogenetic location: 19p13.3.
Variant type: single nucleotide variant.
Coding change: c.11C>G on transcript NM_000156.6 (MANE Select); coding-DNA position 11, C replaced by G.
Protein change: p.Pro4Arg; replaces proline 4 with arginine.
Molecular consequence: missense variant.
Genome position (GRCh38, 1-based): chr19:1,401,466, G>C on the plus strand (C>G on the coding strand, the complement: GAMT is on the minus strand). VCF-style: chr19-1401466-G-C. GRCh37 (hg19) VCF-style: chr19-1401465-G-C.
Other names: c.11C>G, p.Pro4Arg (NM_138924.3); short protein forms P4R.
Identifiers: ClinVar variation 1444160 (VCV001444160.5), dbSNP rs587780949, ClinGen allele CA402998527.

ClinVar aggregate classification (germline): Uncertain significance (1 of 4 stars; one submission).

Conditions:
Cerebral creatine deficiency syndrome. Also called: Creatine deficiency syndromes. Identifiers: Orphanet 79172, MedGen C5244016, MONDO:0000456.

Submission:

Labcorp Genetics (formerly Invitae), Labcorp
Classification: Uncertain significance for Cerebral creatine deficiency syndrome. Last evaluated: 2021-09-17. Review status: criteria provided, single submitter. Criteria: Invitae Variant Classification Sherloc (09022015). Collection method: clinical testing. Allele origin: germline.
Comment: This sequence change replaces proline with arginine at codon 4 of the GAMT protein (p.Pro4Arg). The proline residue is weakly conserved and there is a moderate physicochemical difference between proline and arginine. The frequency data for this variant in the population databases is considered unreliable, as metrics indicate insufficient coverage at this position in the ExAC database. This variant has not been reported in the literature in individuals with GAMT-related conditions. Algorithms developed to predict the effect of missense changes on protein structure and function (SIFT, PolyPhen-2, Align-GVGD) all suggest that this variant is likely to be tolerated, but these predictions have not been confirmed by published functional studies and their clinical significance is uncertain. In summary, the available evidence is currently insufficient to determine the role of this variant in disease. Therefore, it has been classified as a Variant of Uncertain Significance.